The following is an entry in ClinVar:

NM_000219.6(KCNE1):c.91G>C (p.Ala31Pro)

Gene: KCNE1 (potassium voltage-gated channel subfamily E regulatory subunit 1; minus strand). Cytogenetic location: 21q22.12.
Variant type: single nucleotide variant.
Coding change: c.91G>C on transcript NM_000219.6 (MANE Select); coding-DNA position 91, G replaced by C.
Protein change: p.Ala31Pro; replaces alanine 31 with proline.
Molecular consequence: missense variant.
Genome position (GRCh38, 1-based): chr21:34,449,544, C>G on the plus strand (G>C on the coding strand, the complement: KCNE1 is on the minus strand). VCF-style: chr21-34449544-C-G. GRCh37 (hg19) VCF-style: chr21-35821842-C-G.
Other names: c.91G>C, p.Ala31Pro (NM_001127668.4, NM_001127669.4, NM_001127670.4 and 4 more transcripts); short protein forms A31P.
Identifiers: ClinVar variation 3374023 (VCV003374023.2).
Genomic context (GRCh38, chr21:34,449,544, plus strand): 5'-GTACCATGAGGACGTAGAGGGCCTCCAGCTTGCCGTCACTGCTGCGGGGGGACCTGCGGG[C>G]CAGGCCCGACATGTTGCCACCCTGCTGAACTGTCTCCTGCCACAGCTTGGTCAGAAAGGG-3'
Protein context (NP_000210.2, residues 21-41): VQQGGNMSGL[Ala31Pro]RRSPRSSDGK

Conditions:
Long QT syndrome 5 (LQT5). Identifiers: Orphanet 101016, Orphanet 768, MedGen C1867904, MONDO:0013372, OMIM 613695.

Submission:

Roden Lab, Vanderbilt University Medical Center
No classification provided (evidence only). Condition: Long QT syndrome 5. Review status: no classification provided. Collection method: in vitro. Allele origin: not applicable. Functional consequence: Effect on ion channel function.
ClinVar note: "not provided" was previously submitted as the classification for the variant. However, the classification appeared to be based only on an observation of functional data so it was converted to no classification on 2025-07-30.